The following is an entry in ClinVar:

ClinVar aggregate classification (germline): Uncertain significance (1 of 4 stars; one submission).

Conditions:
Cardiovascular phenotype. Identifiers: MedGen CN230736.

gnomAD v4.1: 1 of 1,612,430 alleles (0.000062%); highest among the groups gnomAD compares: Non-Finnish European, 0.000085%; no homozygotes.

Submission:

Ambry Genetics
Classification: Uncertain significance for Cardiovascular phenotype. Last evaluated: 2025-04-06. Review status: criteria provided, single submitter. Criteria: Ambry Variant Classification Scheme 2023. Collection method: clinical testing. Allele origin: germline.
Comment: The p.R1596* variant (also known as c.4786C>T), located in coding exon 18 of the AKAP9 gene, results from a C to T substitution at nucleotide position 4786. This changes the amino acid from an arginine to a stop codon within coding exon 18. This alteration is expected to result in protein truncation or nonsense-mediated mRNA decay. However, loss of function of AKAP9 has not been established as a mechanism of disease. The evidence for this gene-disease relationship is limited; therefore, the clinical significance of this alteration is unclear.

Literature cited by the submitters: PubMed 30403391.

NM_005751.5(AKAP9):c.4786C>T (p.Arg1596Ter)

Gene: AKAP9 (A-kinase anchoring protein 9; plus strand). Cytogenetic location: 7q21.2.
Variant type: single nucleotide variant.
Coding change: c.4786C>T on transcript NM_005751.5 (MANE Select); coding-DNA position 4786, C replaced by T.
Protein change: p.Arg1596Ter; replaces arginine 1596 with a stop codon.
Molecular consequence: nonsense.
Genome position (GRCh38, 1-based): chr7:92,040,767, C>T. VCF-style: chr7-92040767-C-T. GRCh37 (hg19) VCF-style: chr7-91670081-C-T.
Other names: c.4786C>T, p.Arg1596Ter (NM_147185.3); short protein forms R1596*.
Identifiers: ClinVar variation 4033685 (VCV004033685.1).